The following is an entry in ClinVar:

NM_000350.3(ABCA4):c.4918C>T (p.Arg1640Trp)

Genes: ABCA4 (ATP binding cassette subfamily A member 4; minus strand), LOC126805793 (CDK7 strongly-dependent group 2 enhancer GRCh37_chr1:94486302-94487501; plus strand). Cytogenetic location: 1p22.1.
Variant type: single nucleotide variant.
Coding change: c.4918C>T on transcript NM_000350.3 (MANE Select); coding-DNA position 4918, C replaced by T.
Protein change: p.Arg1640Trp; replaces arginine 1640 with tryptophan.
Molecular consequence: missense variant.
Genome position (GRCh38, 1-based): chr1:94,021,340, G>A on the plus strand (C>T on the coding strand, the complement: ABCA4 is on the minus strand). VCF-style: chr1-94021340-G-A. GRCh37 (hg19) VCF-style: chr1-94486896-G-A.
Other names: NP_000341.2:p.(Arg1640Trp); c.4696C>T, p.Arg1566Trp (NM_001425324.1); short protein forms R1640W, R1566W.
Identifiers: ClinVar variation 99330 (VCV000099330.53), dbSNP rs61751404, ClinGen allele CA227253.

ClinVar aggregate classification (germline): Pathogenic/Likely pathogenic; other. Review status: criteria provided, multiple submitters, no conflicts (2 of 4 stars). 21 submissions from 21 submitters: Pathogenic (13); Likely pathogenic (1). 6 of the submissions do not count toward it. Last evaluated 2026-08-20.

Conditions:
ABCA4-related disorder. Also called: ABCA4-related condition; ABCA4-related disorders. Identifiers: MedGen CN239167.
Severe early-childhood-onset retinal dystrophy (STGD1). Also called: MACULAR DYSTROPHY WITH FLECKS, TYPE 1; STGD; Stargardt macular dystrophy; Juvenile onset macular degeneration; Stargardt disease 1. Identifiers: Orphanet 364055, Orphanet 827, MedGen C1855465, MeSH D000080362, MONDO:0009549, OMIM 248200.
Cone-rod dystrophy 3 (CORD3). Identifiers: Orphanet 1872, MedGen C1858806, MONDO:0011395, OMIM 604116.
Age related macular degeneration 2. Also called: MACULAR DEGENERATION, SENILE; MACULOPATHY, AGE-RELATED, 2; MACULOPATHY, AGE-RELATED. Identifiers: MedGen C3495438, MONDO:0007932, OMIM 153800.
Retinitis pigmentosa 19 (RP19). Also called: ABCA4-Related Retinitis Pigmentosa. Identifiers: Orphanet 791, MedGen C1866422, MONDO:0011137, OMIM 601718.
Retinal dystrophy. Also called: Inherited retinal dystrophy. Identifiers: Orphanet 71862, MedGen C0854723, MeSH D058499, MONDO:0019118, HP:0000556.
Leber congenital amaurosis (LCA). Also called: Leber's amaurosis. Identifiers: Orphanet 65, MedGen C0339527, MeSH D057130, MONDO:0018998.
Stargardt disease (FFM). Also called: Fundus flavimaculatus; Stargardt's disease. Identifiers: Orphanet 827, MedGen C0271093, MONDO:0019353.

Allele frequency attached by ClinVar (database versions not stated): ExAC 0.00001; TOPMed 0.00002; gnomAD 0.00003.
gnomAD v4.1: 87 of 1,614,098 alleles (0.0054%); highest among the groups gnomAD compares: Middle Eastern, 0.016%; no homozygotes.

Submissions 1 to 8 of 21:

PreventionGenetics, part of Exact Sciences
Classification: Pathogenic for ABCA4-related condition. Last evaluated: 2026-08-20. Review status: criteria provided, single submitter. Criteria: ACMG Guidelines, 2015. Collection method: clinical testing. Allele origin: germline.
Comment: The ABCA4 c.4918C>T variant is predicted to result in the amino acid substitution p.Arg1640Trp. This variant has been reported in the homozygous state or with a second ABCA4 variant in individuals with ABCA4-related retinal disease (see for example: Rozet et al. 1998. PubMed ID: 9781034; Table S1, Birtel et al. 2018. PubMed ID: 29555955; Supplementa1 Table 1, Fenner et al. 2024. PubMed ID: 38309476). This variant has also been reported to occur in cis (on the same allele) with ABCA4 p.Trp1408Arg as part of a complex [p.Trp1408Arg;p.Arg1640Trp] allele in trans (on the opposite allele) to other pathogenic ABCA4 variants (see, for example: Shroyer et al. 2001. PubMed ID: 11687513; Supplementa1 Table 1, Fenner et al. 2024. PubMed ID: 38309476). In vitro experimental studies indicate this variant has a mild or moderate impact on protein function when expressed alone; however, the effect is stronger for the complex [p.Trp1408Arg;p.Arg1640Trp] allele (Shroyer et al. 2001. PubMed ID: 11687513). This variant is reported in 0.0053% of alleles in individuals of European (Non-Finnish) descent in gnomAD. This variant is interpreted as pathogenic.

Labcorp Genetics (formerly Invitae), Labcorp
Classification: Pathogenic. Last evaluated: 2026-02-01. Review status: criteria provided, single submitter. Criteria: Invitae Variant Classification Sherloc (09022015). Collection method: clinical testing. Allele origin: germline.
Comment: This sequence change replaces arginine, which is basic and polar, with tryptophan, which is neutral and slightly polar, at codon 1640 of the ABCA4 protein (p.Arg1640Trp). This variant is present in population databases (rs61751404, gnomAD 0.007%). This missense change has been observed in individuals with ABCA4-related conditions (PMID: 9781034, 28041643, 28559085, 29925512). ClinVar contains an entry for this variant (Variation ID: 99330). Invitae Evidence Modeling of protein sequence and biophysical properties (such as structural, functional, and spatial information, amino acid conservation, physicochemical variation, residue mobility, and thermodynamic stability) indicates that this missense variant is expected to disrupt ABCA4 protein function with a positive predictive value of 95%. Experimental studies have shown that this missense change affects ABCA4 function (PMID: 11687513). This variant disrupts the p.Arg1640 amino acid residue in ABCA4. Other variant(s) that disrupt this residue have been determined to be pathogenic (PMID: 10711710, 11527935, 23755871, 26103963, 28118664). This suggests that this residue is clinically significant, and that variants that disrupt this residue are likely to be disease-causing. For these reasons, this variant has been classified as Pathogenic.

CeGaT Center for Human Genetics Tuebingen
Classification: Pathogenic. Last evaluated: 2025-09-01. Review status: criteria provided, single submitter. Criteria: CeGaT Center For Human Genetics Tuebingen Variant Classification Criteria Version 2. Collection method: clinical testing. Allele origin: germline. Affected: yes. Observed: 4 variant alleles.
Comment: ABCA4: PM3:Very Strong, PM2, PM5

Blueprint Genetics
Classification: Pathogenic for ABCA4-related disorders. Last evaluated: 2024-10-28. Review status: criteria provided, single submitter. Criteria: ACMG Guidelines, 2015. Collection method: clinical testing. Allele origin: germline. Affected: yes. Observed: 5 variant alleles.

3billion
Classification: Pathogenic for Cone-rod dystrophy 3. Last evaluated: 2023-11-14. Review status: criteria provided, single submitter. Criteria: ACMG Guidelines, 2015. Collection method: clinical testing. Allele origin: germline. Affected: yes.
Comment: The variant is observed at an extremely low frequency in the gnomAD v2.1.1 dataset (total allele frequency: 0.003%). Predicted Consequence/Location: Missense variant Functional studies provide moderate evidence of the variant having a damaging effect on the gene or gene product (PMID: 17325136). In silico tool predictions suggest damaging effect of the variant on gene or gene product [REVEL: 0.80 (>=0.6, sensitivity 0.68 and specificity 0.92); 3Cnet: 0.93 (>=0.6, sensitivity 0.72 and precision 0.9)]. Same nucleotide change resulting in same amino acid change has been previously reported as pathogenic/likely pathogenic with strong evidence (ClinVar ID: VCV000099330 /PMID: 9781034 /3billion dataset). A different missense change at the same codon (p.Arg1640Gln) has been reported as pathogenic/likely pathogenic with strong evidence (ClinVar ID: VCV000099331 /PMID: 10711710 /3billion dataset). Therefore, this variant is classified as Pathogenic according to the recommendation of ACMG/AMP guideline.

Ophthalmic Genetics Group, Institute of Molecular and Clinical Ophthalmology Basel
Classification: Pathogenic for Stargardt disease. Last evaluated: 2023-07-24. Review status: criteria provided, single submitter. Criteria: ACMG Guidelines, 2015. Collection method: research. Allele origin: germline. Affected: yes. Observed: 1 variant allele.
Comment: Clinical significance based on ACMG v2.0

This variant was classified as Pathogenic based on ACMG criteria: PM1, PP2, PM2, PM5, PP3, PP5.

Molecular Genetics, Royal Melbourne Hospital
Classification: Pathogenic for Severe early-childhood-onset retinal dystrophy. Last evaluated: 2023-03-30. Review status: criteria provided, single submitter. Criteria: ACMG Guidelines, 2015. Collection method: clinical testing. Allele origin: germline. Affected: yes.
Comment: This sequence change is predicted to replace arginine with tryptophan at codon 1640 of the ABCA4 protein, p.(Arg1640Trp). The arginine residue is highly conserved (100 vertebrates, UCSC), and there is a large physicochemical difference between arginine and tryptophan. The variant is present in a large population cohort at a frequency of 0.003%, consistent with recessive disease (rs61751404, 8/251,420 alleles, 0 homozygotes in gnomAD v2.1). The variant has been identified in the homozygous state and compound heterozygous with a second pathogenic allele in multiple Stargardt disease cases (PMID: 9781034, 10090887, 11687513, 21873672). The missense change causes reduced protein expression and ATPase activity in in vitro functional assays (PMID: 11687513). Multiple lines of computational evidence predict a deleterious effect for the missense substitution (6/7 algorithms). A different missense change at the same amino acid residue (p.Arg1640Gln) determined to be pathogenic has been seen before (ClinVar ID: 99331). Based on the classification scheme RMH ACMG Guidelines v1.2.1, this variant is classified as PATHOGENIC. Following criteria are met: PM3_Strong, PM2, PM5, PS3_Supporting, PP3.

Institute of Human Genetics, University of Leipzig Medical Center
Classification: Pathogenic for Cone-rod dystrophy 3. Last evaluated: 2023-03-28. Review status: criteria provided, single submitter. Criteria: ACMG Guidelines, 2015. Collection method: clinical testing. Allele origin: paternal. Inheritance: Autosomal recessive inheritance. Affected: yes.
Comment: Criteria applied: PM3_VSTR,PM5,PS3_SUP,PM2_SUP,PP3